The following is an entry in ClinVar:

NM_000045.4(ARG1):c.739C>T (p.Pro247Ser)

Genes: ARG1 (arginase 1; plus strand), MED23 (mediator complex subunit 23; minus strand). Cytogenetic location: 6q23.2.
Variant type: single nucleotide variant.
Coding change: c.739C>T on transcript NM_000045.4 (MANE Select); coding-DNA position 739, C replaced by T.
Protein change: p.Pro247Ser; replaces proline 247 with serine.
Molecular consequence: missense variant. On other transcripts: non-coding transcript variant (1), intron variant (2).
Genome position (GRCh38, 1-based): chr6:131,583,428, C>T. VCF-style: chr6-131583428-C-T. GRCh37 (hg19) VCF-style: chr6-131904568-C-T.
Other names: c.763C>T, p.Pro255Ser (NM_001244438.2); c.484C>T, p.Pro162Ser (NM_001369020.1); c.4077+4281G>A (NM_001270521.2); c.4095+4281G>A (NM_015979.4); short protein forms P162S, P247S, P255S.
Identifiers: ClinVar variation 1345978 (VCV001345978.6), dbSNP rs981570531, ClinGen allele CA147898265.

ClinVar aggregate classification (germline): Uncertain significance (1 of 4 stars; one submission).

Conditions:
Arginase deficiency. Also called: ARGININEMIA; ARG1 DEFICIENCY; Arginase 1 Deficiency. Identifiers: Orphanet 90, MedGen C0268548, MONDO:0008814, OMIM 207800.

Allele frequency attached by ClinVar (database versions not stated): gnomAD 0.00001; gnomAD exomes 0.00002.
gnomAD v4.1: 32 of 1,614,024 alleles (0.002%); highest among the groups gnomAD compares: Non-Finnish European, 0.0025%; no homozygotes.

Submission:

Labcorp Genetics (formerly Invitae), Labcorp
Classification: Uncertain significance for Arginase deficiency. Last evaluated: 2021-10-14. Review status: criteria provided, single submitter. Criteria: Invitae Variant Classification Sherloc (09022015). Collection method: clinical testing. Allele origin: germline.
Comment: This sequence change replaces proline with serine at codon 247 of the ARG1 protein (p.Pro247Ser). The proline residue is moderately conserved and there is a moderate physicochemical difference between proline and serine. This variant is not present in population databases (ExAC no frequency). This variant has not been reported in the literature in individuals affected with ARG1-related conditions. Algorithms developed to predict the effect of missense changes on protein structure and function are either unavailable or do not agree on the potential impact of this missense change (SIFT: "Tolerated"; PolyPhen-2: "Probably Damaging"; Align-GVGD: "Class C0"). In summary, the available evidence is currently insufficient to determine the role of this variant in disease. Therefore, it has been classified as a Variant of Uncertain Significance.